The following is an entry in ClinVar:

NM_015164.4(PLEKHM2):c.154G>A (p.Ala52Thr)

Gene: PLEKHM2 (pleckstrin homology and RUN domain containing M2; plus strand). Cytogenetic location: 1p36.21.
Variant type: single nucleotide variant.
Coding change: c.154G>A on transcript NM_015164.4 (MANE Select); coding-DNA position 154, G replaced by A.
Protein change: p.Ala52Thr; replaces alanine 52 with threonine.
Molecular consequence: missense variant.
Genome position (GRCh38, 1-based): chr1:15,716,330, G>A. VCF-style: chr1-15716330-G-A. GRCh37 (hg19) VCF-style: chr1-16042825-G-A.
Other names: c.154G>A, p.Ala52Thr (NM_001410755.1); short protein forms A52T.
Identifiers: ClinVar variation 3715762 (VCV003715762.2).

ClinVar aggregate classification (germline): Uncertain significance (1 of 4 stars; one submission).

Submission:

Labcorp Genetics (formerly Invitae), Labcorp
Classification: Uncertain significance. Last evaluated: 2024-06-17. Review status: criteria provided, single submitter. Criteria: Invitae Variant Classification Sherloc (09022015). Collection method: clinical testing. Allele origin: germline.
Comment: This sequence change replaces alanine, which is neutral and non-polar, with threonine, which is neutral and polar, at codon 52 of the PLEKHM2 protein (p.Ala52Thr). The frequency data for this variant in the population databases is considered unreliable, as metrics indicate poor data quality at this position in the gnomAD database. This variant has not been reported in the literature in individuals affected with PLEKHM2-related conditions. An algorithm developed to predict the effect of missense changes on protein structure and function (PolyPhen-2) suggests that this variant is likely to be disruptive. In summary, the available evidence is currently insufficient to determine the role of this variant in disease. Therefore, it has been classified as a Variant of Uncertain Significance.